The following is an entry in ClinVar:

NM_004104.5(FASN):c.3311G>A (p.Arg1104Gln)

Gene: FASN (fatty acid synthase; minus strand). Cytogenetic location: 17q25.3.
Variant type: single nucleotide variant.
Coding change: c.3311G>A on transcript NM_004104.5 (MANE Select); coding-DNA position 3311, G replaced by A.
Protein change: p.Arg1104Gln; replaces arginine 1104 with glutamine.
Molecular consequence: missense variant.
Genome position (GRCh38, 1-based): chr17:82,087,166, C>T on the plus strand (G>A on the coding strand, the complement: FASN is on the minus strand). VCF-style: chr17-82087166-C-T. GRCh37 (hg19) VCF-style: chr17-80045042-C-T.
Other names: short protein forms R1104Q.
Identifiers: ClinVar variation 1391778 (VCV001391778.6), dbSNP rs773351273, ClinGen allele CA8852429.

ClinVar aggregate classification (germline): Uncertain significance (1 of 4 stars; one submission).

Conditions:
Epileptic encephalopathy. Identifiers: MedGen C0543888, HP:0200134.

Allele frequency attached by ClinVar (database versions not stated): gnomAD 0.00001; gnomAD exomes 0.00001 and 0.00003; TOPMed 0.00002; ExAC 0.00003.
gnomAD v4.1: 21 of 1,609,592 alleles (0.0013%); highest among the groups gnomAD compares: Admixed American, 0.0067%; no homozygotes.

Submission:

Labcorp Genetics (formerly Invitae), Labcorp
Classification: Uncertain significance for Epileptic encephalopathy. Last evaluated: 2023-12-10. Review status: criteria provided, single submitter. Criteria: Invitae Variant Classification Sherloc (09022015). Collection method: clinical testing. Allele origin: germline.
Comment: This sequence change replaces arginine, which is basic and polar, with glutamine, which is neutral and polar, at codon 1104 of the FASN protein (p.Arg1104Gln). This variant is present in population databases (rs773351273, gnomAD 0.01%). This variant has not been reported in the literature in individuals affected with FASN-related conditions. ClinVar contains an entry for this variant (Variation ID: 1391778). An algorithm developed to predict the effect of missense changes on protein structure and function (PolyPhen-2) suggests that this variant is likely to be disruptive. In summary, the available evidence is currently insufficient to determine the role of this variant in disease. Therefore, it has been classified as a Variant of Uncertain Significance.